The following is an entry in ClinVar:

NM_001105206.3(LAMA4):c.215T>C (p.Phe72Ser)

Gene: LAMA4 (laminin subunit alpha 4; minus strand). Cytogenetic location: 6q21.
Variant type: single nucleotide variant.
Coding change: c.215T>C on transcript NM_001105206.3 (MANE Select); coding-DNA position 215, T replaced by C.
Protein change: p.Phe72Ser; replaces phenylalanine 72 with serine.
Molecular consequence: missense variant.
Genome position (GRCh38, 1-based): chr6:112,216,450, A>G on the plus strand (T>C on the coding strand, the complement: LAMA4 is on the minus strand). VCF-style: chr6-112216450-A-G. GRCh37 (hg19) VCF-style: chr6-112537651-A-G.
Other names: c.215T>C, p.Phe72Ser (NM_001105207.3, NM_002290.5); c.215T>C (NM_002290.3); short protein forms F72S.
Identifiers: ClinVar variation 1016178 (VCV001016178.10), dbSNP rs782510666, ClinGen allele CA3966269.

ClinVar aggregate classification (germline): Uncertain significance. Review status: criteria provided, multiple submitters, no conflicts (2 of 4 stars). 3 submissions from 3 submitters: Uncertain significance (3). Last evaluated 2025-04-18.

Conditions:
Dilated cardiomyopathy 1JJ (CMD1JJ). Identifiers: Orphanet 154, MedGen C3808935, MONDO:0014095, OMIM 615235.
Cardiovascular phenotype. Identifiers: MedGen CN230736.

Allele frequency attached by ClinVar (database versions not stated): gnomAD exomes 0.00001; ExAC 0.00002; TOPMed 0.00005.
gnomAD v4.1: 4 of 1,613,624 alleles (0.00025%); highest among the groups gnomAD compares: Admixed American, 0.0067%; no homozygotes.

Submissions (3):

GeneDx
Classification: Uncertain significance. Last evaluated: 2025-04-18. Review status: criteria provided, single submitter. Criteria: GeneDx Variant Classification Process June 2021. Collection method: clinical testing. Allele origin: germline. Affected: yes.
Comment: Not observed at significant frequency in large population cohorts (gnomAD); In silico analysis supports that this missense variant has a deleterious effect on protein structure/function; Has not been previously published as pathogenic or benign to our knowledge

Labcorp Genetics (formerly Invitae), Labcorp
Classification: Uncertain significance for Dilated cardiomyopathy 1JJ. Last evaluated: 2024-07-01. Review status: criteria provided, single submitter. Criteria: Invitae Variant Classification Sherloc (09022015). Collection method: clinical testing. Allele origin: germline.
Comment: This sequence change replaces phenylalanine, which is neutral and non-polar, with serine, which is neutral and polar, at codon 72 of the LAMA4 protein (p.Phe72Ser). This variant is present in population databases (rs782510666, gnomAD 0.009%). This variant has not been reported in the literature in individuals affected with LAMA4-related conditions. ClinVar contains an entry for this variant (Variation ID: 1016178). An algorithm developed to predict the effect of missense changes on protein structure and function (PolyPhen-2) suggests that this variant is likely to be disruptive. In summary, the available evidence is currently insufficient to determine the role of this variant in disease. Therefore, it has been classified as a Variant of Uncertain Significance.

Ambry Genetics
Classification: Uncertain significance for Cardiovascular phenotype. Last evaluated: 2022-03-21. Review status: criteria provided, single submitter. Criteria: Ambry Variant Classification Scheme 2023. Collection method: clinical testing. Allele origin: germline.